The following is an entry in ClinVar:

NM_000539.3(RHO):c.467G>C (p.Gly156Ala)

Gene: RHO (rhodopsin; plus strand). Cytogenetic location: 3q22.1.
Variant type: single nucleotide variant.
Coding change: c.467G>C on transcript NM_000539.3 (MANE Select); coding-DNA position 467, G replaced by C.
Protein change: p.Gly156Ala; replaces glycine 156 with alanine.
Molecular consequence: missense variant.
Genome position (GRCh38, 1-based): chr3:129,530,981, G>C. VCF-style: chr3-129530981-G-C. GRCh37 (hg19) VCF-style: chr3-129249824-G-C.
Other names: short protein forms G156A.
Identifiers: ClinVar variation 4774785 (VCV004774785.1).
Genomic context (GRCh38, chr3:129,530,981, plus strand): 5'-ACGTGGTGGTGTGTAAGCCCATGAGCAACTTCCGCTTCGGGGAGAACCATGCCATCATGG[G>C]CGTTGCCTTCACCTGGGTCATGGCGCTGGCCTGCGCCGCACCCCCACTCGCCGGCTGGTC-3'
Protein context (NP_000530.1, residues 146-166): FRFGENHAIM[Gly156Ala]VAFTWVMALA

ClinVar aggregate classification (germline): Uncertain significance (1 of 4 stars; one submission).

Submission:

Labcorp Genetics (formerly Invitae), Labcorp
Classification: Uncertain significance. Last evaluated: 2025-02-16. Review status: criteria provided, single submitter. Criteria: Invitae Variant Classification Sherloc (09022015). Collection method: clinical testing. Allele origin: germline.
Comment: This sequence change replaces glycine, which is neutral and non-polar, with alanine, which is neutral and non-polar, at codon 156 of the RHO protein (p.Gly156Ala). This variant is not present in population databases (gnomAD no frequency). This variant has not been reported in the literature in individuals affected with RHO-related conditions. Invitae Evidence Modeling of protein sequence and biophysical properties (such as structural, functional, and spatial information, amino acid conservation, physicochemical variation, residue mobility, and thermodynamic stability) has been performed for this missense variant. However, the output from this modeling did not meet the statistical confidence thresholds required to predict the impact of this variant on RHO protein function. In summary, the available evidence is currently insufficient to determine the role of this variant in disease. Therefore, it has been classified as a Variant of Uncertain Significance.